The following is an entry in ClinVar:

NM_015215.4(CAMTA1):c.49G>A (p.Val17Ile)

Gene: CAMTA1 (calmodulin binding transcription activator 1; plus strand). Cytogenetic location: 1p36.31.
Variant type: single nucleotide variant.
Coding change: c.49G>A on transcript NM_015215.4 (MANE Select); coding-DNA position 49, G replaced by A.
Protein change: p.Val17Ile; replaces valine 17 with isoleucine.
Molecular consequence: missense variant. On other transcripts: intron variant (3).
Genome position (GRCh38, 1-based): chr1:6,820,184, G>A. VCF-style: chr1-6820184-G-A. GRCh37 (hg19) VCF-style: chr1-6880244-G-A.
Other names: c.49G>A, p.Val17Ile (NM_001195563.2, NM_001242701.2, NM_001349609.2 and 3 more transcripts); c.26-4908G>A (NM_001349608.2, NM_001349612.2); c.152-4908G>A (NM_001349627.2); short protein forms V17I.
Identifiers: ClinVar variation 2638129 (VCV002638129.24), dbSNP rs572304401, ClinGen allele CA566026.

ClinVar aggregate classification (germline): Likely benign (1 of 4 stars; one submission).

Allele frequency attached by ClinVar (database versions not stated): gnomAD 0.00002; gnomAD exomes 0.00008; 1000 Genomes Project 30x 0.00016; ExAC 0.00017; 1000 Genomes Project 0.00020.
gnomAD v4.1: 109 of 1,537,306 alleles (0.0071%); highest among the groups gnomAD compares: South Asian, 0.11%; 2 homozygotes.

Submission:

CeGaT Center for Human Genetics Tuebingen
Classification: Likely benign. Last evaluated: 2022-11-01. Review status: criteria provided, single submitter. Criteria: CeGaT Center For Human Genetics Tuebingen Variant Classification Criteria Version 2. Collection method: clinical testing. Allele origin: germline. Affected: yes. Observed: 1 variant allele.
Comment: CAMTA1: PP2, BS1